The following is an entry in ClinVar:

ClinVar aggregate classification (germline): Likely benign (0 of 4 stars; one submission).

Conditions:
PEX16-related disorder. Also called: PEX16-related condition.

gnomAD v4.1: 4 of 1,613,618 alleles (0.00025%); highest among the groups gnomAD compares: Non-Finnish European, 0.00034%; no homozygotes.

Submission:

PreventionGenetics, part of Exact Sciences
Classification: Likely benign for PEX16-related condition. Last evaluated: 2023-10-20. Review status: no assertion criteria provided. Collection method: clinical testing. Allele origin: germline.
Comment: This variant is classified as likely benign based on ACMG/AMP sequence variant interpretation guidelines (Richards et al. 2015 PMID: 25741868, with internal and published modifications).

NM_004813.4(PEX16):c.*1C>T

Gene: PEX16 (peroxisomal biogenesis factor 16; minus strand). Cytogenetic location: 11p11.2.
Variant type: single nucleotide variant.
Coding change: c.*1C>T on transcript NM_004813.4 (MANE Select); 1 bases downstream of the stop codon, C replaced by T.
Molecular consequence: 3 prime UTR variant. On other transcripts: intron variant (1).
Genome position (GRCh38, 1-based): chr11:45,910,253, G>A on the plus strand (C>T on the coding strand, the complement: PEX16 is on the minus strand). VCF-style: chr11-45910253-G-A. GRCh37 (hg19) VCF-style: chr11-45931804-G-A.
Other names: c.953-76C>T (NM_057174.3).
Identifiers: ClinVar variation 3033169 (VCV003033169.2), dbSNP rs1037930188, ClinGen allele CA221584214.